The following is an entry in ClinVar:

ClinVar aggregate classification (germline): Pathogenic (3 of 4 stars; one submission).

Conditions:
Breast-ovarian cancer, familial, susceptibility to, 2 (BROVCA2). Also called: BRCA2 Hereditary Breast and Ovarian Cancer. Identifiers: Orphanet 145, MedGen C2675520, MONDO:0012933, OMIM 612555. Disease mechanism: loss of function.

Submission:

Evidence-based Network for the Interpretation of Germline Mutant Alleles (ENIGMA)
Classification: Pathogenic for Breast-ovarian cancer, familial, susceptibility to, 2. Last evaluated: 2016-10-18. Review status: reviewed by expert panel. Criteria: ENIGMA BRCA1/2 Classification Criteria (2015). Collection method: curation. Allele origin: germline.
Comment: Variant allele predicted to encode a truncated non-functional protein.

NM_000059.4(BRCA2):c.569_570insAACG (p.Asp191fs)

Gene: BRCA2 (BRCA2 DNA repair associated; plus strand). Cytogenetic location: 13q13.1.
Variant type: Insertion.
Coding change: c.569_570insAACG on transcript NM_000059.4 (MANE Select); coding-DNA positions 569 to 570, AACG inserted.
Protein change: p.Asp191fs; shifts the reading frame from aspartic acid 191.
Molecular consequence: frameshift variant.
Genome position: GRCh38 VCF-style: chr13-32326551-C-CAACG. GRCh37 (hg19) VCF-style: chr13-32900688-C-CAACG.
Other names: 797_798insAACG; short protein forms D191fs.
Identifiers: ClinVar variation 266891 (VCV000266891.3), dbSNP rs886040606, ClinGen allele CA10589034.
Genomic context (GRCh38, chr13:32,326,551, plus strand): 5'-CCTCCCAGGGTCGTCAGACACCAAAACATATTTCTGAAAGTCTAGGAGCTGAGGTGGATC[C>CAACG]TGATATGTCTTGGTCAAGTTCTTTAGCTACACCACCCACCCTTAGTTCTACTGTGCTCAT-3'